The following is an entry in ClinVar:

NM_080425.4(GNAS):c.1532G>C (p.Arg511Pro)

Gene: GNAS (GNAS complex locus; plus strand). Cytogenetic location: 20q13.32.
Variant type: single nucleotide variant.
Coding change: c.1532G>C on transcript NM_080425.4 (MANE Plus Clinical); coding-DNA position 1532, G replaced by C.
Protein change: p.Arg511Pro; replaces arginine 511 with proline.
Molecular consequence: missense variant. On other transcripts: intron variant (3).
Genome position (GRCh38, 1-based): chr20:58,854,797, G>C. VCF-style: chr20-58854797-G-C. GRCh37 (hg19) VCF-style: chr20-57429852-G-C.
Other names: c.1345G>C, p.Ala449Pro (NM_001077490.3, NM_001309883.1); c.1532G>C, p.Arg511Pro (NM_001410913.1); c.*42+13911G>C (NM_016592.5); c.43+13911G>C (NM_001410912.1); c.-39+12922G>C (NM_001309861.2); short protein forms A449P, R511P.
Identifiers: ClinVar variation 2630380 (VCV002630380.1), dbSNP rs763548981, ClinGen allele CA9926707.

ClinVar aggregate classification (germline): Uncertain significance (1 of 4 stars; one submission).

Conditions:
GNAS-related disorder. Identifiers: MedGen CN380105.

Allele frequency attached by ClinVar (database versions not stated): ExAC 0.00003.
gnomAD v4.1: 2 of 1,578,874 alleles (0.00013%); highest among the groups gnomAD compares: East Asian, 0.0046%; no homozygotes.

Submission:

PreventionGenetics, part of Exact Sciences
Classification: Uncertain significance for GNAS-related condition. Last evaluated: 2023-01-28. Review status: criteria provided, single submitter. Criteria: ACMG Guidelines, 2015. Collection method: clinical testing. Allele origin: germline.
Comment: The GNAS c.1532G>C variant is predicted to result in the amino acid substitution p.Arg511Pro. To our knowledge, this variant has not been reported in the literature. This variant is reported in 0.0065% of alleles in individuals of East Asian descent in gnomAD. At this time, the clinical significance of this variant is uncertain due to the absence of conclusive functional and genetic evidence.